The following is an entry in ClinVar:

NM_002439.5(MSH3):c.2326G>A (p.Ala776Thr)

Gene: MSH3 (mutS homolog 3; plus strand). Cytogenetic location: 5q14.1.
Variant type: single nucleotide variant.
Coding change: c.2326G>A on transcript NM_002439.5 (MANE Select); coding-DNA position 2326, G replaced by A.
Protein change: p.Ala776Thr; replaces alanine 776 with threonine.
Molecular consequence: missense variant.
Genome position (GRCh38, 1-based): chr5:80,778,727, G>A. VCF-style: chr5-80778727-G-A. GRCh37 (hg19) VCF-style: chr5-80074546-G-A.
Other names: short protein forms A776T.
Identifiers: ClinVar variation 1789657 (VCV001789657.2), dbSNP rs1744350390, ClinGen allele CA360281715.

ClinVar aggregate classification (germline): Uncertain significance (1 of 4 stars; one submission).

Conditions:
Hereditary cancer-predisposing syndrome. Also called: Hereditary Cancer Syndrome; Hereditary neoplastic syndrome; Tumor predisposition; Neoplastic Syndromes, Hereditary. Identifiers: Orphanet 140162, MedGen C0027672, MeSH D009386, MONDO:0015356.

Submission:

Ambry Genetics
Classification: Uncertain significance for Hereditary cancer-predisposing syndrome. Last evaluated: 2021-01-05. Review status: criteria provided, single submitter. Criteria: Ambry Variant Classification Scheme 2023. Collection method: clinical testing. Allele origin: germline.
Comment: The p.A776T variant (also known as c.2326G>A), located in coding exon 17 of the MSH3 gene, results from a G to A substitution at nucleotide position 2326. The alanine at codon 776 is replaced by threonine, an amino acid with similar properties. This amino acid position is highly conserved in available vertebrate species. In addition, the in silico prediction for this alteration is inconclusive. Since supporting evidence is limited at this time, the clinical significance of this alteration remains unclear.